The following is an entry in ClinVar:

ClinVar aggregate classification (germline): Conflicting classifications of pathogenicity. Review status: criteria provided, conflicting classifications (1 of 4 stars). 5 submissions from 5 submitters: Uncertain significance (4); Likely benign (1). Last evaluated 2026-03-05.

Conditions:
Propionic acidemia (PROP). Also called: GLYCINEMIA, KETOTIC; HYPERGLYCINEMIA WITH KETOACIDOSIS AND LEUKOPENIA; KETOTIC HYPERGLYCINEMIA. Identifiers: Orphanet 35, MedGen C0268579, MONDO:0011628, OMIM 606054, HP:0003571.
Inborn genetic diseases. Identifiers: MedGen C0950123, MeSH D030342.

Allele frequency attached by ClinVar (database versions not stated): gnomAD exomes 0.00013; ExAC 0.00019; 1000 Genomes Project 30x 0.00062; TOPMed 0.00012; ESP Exome Variant Server 0.00015; 1000 Genomes Project 0.00040; gnomAD 0.00010 and 0.00012.
gnomAD v4.1: 324 of 1,613,332 alleles (0.02%); highest among the groups gnomAD compares: Middle Eastern, 0.13%; 1 homozygote.

Submissions (5):

GeneDx
Classification: Uncertain significance. Last evaluated: 2026-03-05. Review status: criteria provided, single submitter. Criteria: GeneDx Variant Classification Process June 2021. Collection method: clinical testing. Allele origin: germline.
Comment: In silico analysis supports that this missense variant has a deleterious effect on protein structure/function; Has not been previously published as pathogenic or benign to our knowledge; This variant is associated with the following publications: (PMID: 35460704)

Labcorp Genetics (formerly Invitae), Labcorp
Classification: Likely benign for Propionic acidemia. Last evaluated: 2026-01-26. Review status: criteria provided, single submitter. Criteria: Invitae Variant Classification Sherloc (09022015). Collection method: clinical testing. Allele origin: germline.

Ambry Genetics
Classification: Uncertain significance for Inborn genetic diseases. Last evaluated: 2024-11-22. Review status: criteria provided, single submitter. Criteria: Ambry Variant Classification Scheme 2023. Collection method: clinical testing. Allele origin: germline.

Eurofins Ntd Llc (ga)
Classification: Uncertain significance. Last evaluated: 2018-08-23. Review status: criteria provided, single submitter. Criteria: EGL ClinVar v180209 classification definitions. Collection method: clinical testing. Allele origin: germline. Observed: 1 variant allele, 1 homozygote.

Illumina Laboratory Services, Illumina
Classification: Uncertain significance for Propionic acidemia. Last evaluated: 2018-01-13. Review status: criteria provided, single submitter. Criteria: ICSL Variant Classification Criteria 13 December 2019. Collection method: clinical testing. Allele origin: germline.

NM_000532.5(PCCB):c.1154A>G (p.Asn385Ser)

Gene: PCCB (propionyl-CoA carboxylase subunit beta; plus strand). Cytogenetic location: 3q22.3.
Variant type: single nucleotide variant.
Coding change: c.1154A>G on transcript NM_000532.5 (MANE Select); coding-DNA position 1154, A replaced by G.
Protein change: p.Asn385Ser; replaces asparagine 385 with serine.
Molecular consequence: missense variant.
Genome position (GRCh38, 1-based): chr3:136,326,866, A>G. VCF-style: chr3-136326866-A-G. GRCh37 (hg19) VCF-style: chr3-136045708-A-G.
Other names: c.1214A>G, p.Asn405Ser (NM_001178014.2); short protein forms N385S, N405S.
Identifiers: ClinVar variation 343473 (VCV000343473.16), dbSNP rs151078515, ClinGen allele CA2632027.